The following is an entry in ClinVar:

ClinVar aggregate classification (germline): Uncertain significance. Review status: criteria provided, multiple submitters, no conflicts (2 of 4 stars). 2 submissions from 2 submitters: Uncertain significance (2). Last evaluated 2025-04-24.

Conditions:
Familial cold autoinflammatory syndrome 4 (FCAS4). Identifiers: Orphanet 47045, Orphanet 576349, MedGen C4015276, MONDO:0014498, OMIM 616115.
Periodic fever-infantile enterocolitis-autoinflammatory syndrome. Also called: Autoinflammation with infantile enterocolitis. Identifiers: Orphanet 436166, MedGen C4015067, MONDO:0014472, OMIM 616050.
Inborn genetic diseases. Identifiers: MedGen C0950123, MeSH D030342.

gnomAD v4.1: 25 of 1,614,208 alleles (0.0015%); highest among the groups gnomAD compares: East Asian, 0.056%; no homozygotes.

Submissions (2):

Labcorp Genetics (formerly Invitae), Labcorp
Classification: Uncertain significance for Periodic fever-infantile enterocolitis-autoinflammatory syndrome; Familial cold autoinflammatory syndrome 4. Last evaluated: 2025-04-24. Review status: criteria provided, single submitter. Criteria: Invitae Variant Classification Sherloc (09022015). Collection method: clinical testing. Allele origin: germline.
Comment: This sequence change replaces glutamine, which is neutral and polar, with leucine, which is neutral and non-polar, at codon 48 of the NLRC4 protein (p.Gln48Leu). This variant is present in population databases (rs759449378, gnomAD 0.06%). This variant has not been reported in the literature in individuals affected with NLRC4-related conditions. An algorithm developed to predict the effect of missense changes on protein structure and function (PolyPhen-2) suggests that this variant is likely to be disruptive. In summary, the available evidence is currently insufficient to determine the role of this variant in disease. Therefore, it has been classified as a Variant of Uncertain Significance.

Ambry Genetics
Classification: Uncertain significance for Inborn genetic diseases. Last evaluated: 2024-12-14. Review status: criteria provided, single submitter. Criteria: Ambry Variant Classification Scheme 2023. Collection method: clinical testing. Allele origin: germline.

NM_001199138.2(NLRC4):c.143A>T (p.Gln48Leu)

Gene: NLRC4 (NLR family CARD domain containing 4; minus strand). Cytogenetic location: 2p22.3.
Variant type: single nucleotide variant.
Coding change: c.143A>T on transcript NM_001199138.2 (MANE Select); coding-DNA position 143, A replaced by T.
Protein change: p.Gln48Leu; replaces glutamine 48 with leucine.
Molecular consequence: missense variant.
Genome position (GRCh38, 1-based): chr2:32,252,538, T>A on the plus strand (A>T on the coding strand, the complement: NLRC4 is on the minus strand). VCF-style: chr2-32252538-T-A. GRCh37 (hg19) VCF-style: chr2-32477607-T-A.
Other names: c.143A>T, p.Gln48Leu (NM_001199139.2, NM_001302504.2, NM_021209.5); short protein forms Q48L.
Identifiers: ClinVar variation 3879850 (VCV003879850.2).
Genomic context (GRCh38, chr2:32,252,538, plus strand): 5'-AGGTTACAGGACTCTGAACCCTTTTTCAAAATCATGTGAATGATCCCTCTAGCAGCATCC[T>A]GCTCCACCTTCTCGCAGCAAATGATGTTTACTTCTTCGCGATTCAGAACATTCCATACAA-3'
Protein context (NP_001186067.1, residues 38-58): VNIICCEKVE[Gln48Leu]DAARGIIHMI